The following is an entry in ClinVar:

NM_000460.4(THPO):c.355C>G (p.Arg119Gly)

Gene: THPO (thrombopoietin; minus strand). Cytogenetic location: 3q27.1.
Variant type: single nucleotide variant.
Coding change: c.355C>G on transcript NM_000460.4 (MANE Select); coding-DNA position 355, C replaced by G.
Protein change: p.Arg119Gly; replaces arginine 119 with glycine.
Molecular consequence: missense variant.
Genome position (GRCh38, 1-based): chr3:184,373,456, G>C on the plus strand (C>G on the coding strand, the complement: THPO is on the minus strand). VCF-style: chr3-184373456-G-C. GRCh37 (hg19) VCF-style: chr3-184091244-G-C.
Other names: c.355C>G, p.Arg119Gly (NM_001177597.2, NM_001177598.2, NM_001289997.1 and 5 more transcripts); c.775C>G, p.Arg259Gly (NM_001290003.1); short protein forms R119G, R259G.
Identifiers: ClinVar variation 1309245 (VCV001309245.2), dbSNP rs1181555052, ClinGen allele CA355462700.

ClinVar aggregate classification (germline): Uncertain significance (1 of 4 stars; one submission).

Submission:

GeneDx
Classification: Uncertain significance. Last evaluated: 2019-10-07. Review status: criteria provided, single submitter. Criteria: GeneDx Variant Classification Process June 2021. Collection method: clinical testing. Allele origin: germline. Affected: yes.
Comment: In silico analysis, which includes protein predictors and evolutionary conservation, supports a deleterious effect; Has not been previously published as pathogenic or benign to our knowledge; Not observed in large population cohorts (Lek et al., 2016)